The following is an entry in ClinVar:

ClinVar aggregate classification (germline): Pathogenic. Review status: criteria provided, multiple submitters, no conflicts (2 of 4 stars). 11 submissions from 11 submitters: Pathogenic (8). 3 of the submissions do not count toward it. Last evaluated 2026-03-02.

Conditions:
KRT5-related disorder. Also called: KRT5-related condition.
Epidermolysis bullosa simplex 2A, generalized severe. Also called: Epidermolysis bullosa simplex 2, severe; Epidermolysis bullosa simplex 2, generalized severe; Epidermolysis bullosa simplex 2, Dowling-Meara type. Identifiers: MedGen CN301077, MONDO:0030489, OMIM 619555.
Epidermolysis bullosa simplex 2B, generalized intermediate (EBS2B). Also called: Epidermolysis bullosa simplex 2B, Koebner type. Identifiers: MedGen C5562009, MONDO:0030525, OMIM 619588.
Epidermolysis bullosa simplex. Also called: Epidermolysis bullosa simplex, Weber-Cockayne type (subtype); Epidermolysis bullosa simplex, Dowling-Meara type (subtype); Epidermolysis bullosa simplex with mottled pigmentation (subtype). Identifiers: Orphanet 304, MedGen C0079298, MONDO:0017610.
Epidermolysis bullosa simplex with mottled pigmentation (EBS2F). Also called: EPIDERMOLYSIS BULLOSA SIMPLEX 2F, WITH MOTTLED PIGMENTATION; SPECKLED HYPERPIGMENTATION WITH PUNCTATE PALMOPLANTAR KERATOSES AND CHILDHOOD BLISTERING. Identifiers: Orphanet 79397, MedGen C0432316, MONDO:0007556, OMIM 131960.
Epidermolysis bullosa simplex 1A, generalized severe (EBS1A). Also called: Epidermolysis bullosa simplex Dowling-Meara type. Identifiers: Orphanet 79396, MedGen C0079295, MONDO:0007550, OMIM 131760.
Epidermolysis bullosa simplex 1C, localized. Also called: Epidermolysis Bullosa Simplex, Weber-Cockayne Type; Localized epidermolysis bullosa simplex; EBS, ACRAL FORM; EPIDERMOLYSIS BULLOSA OF HANDS AND FEET; Weber-Cockayne Syndrome. Identifiers: Orphanet 79400, MedGen C0080333, MONDO:0007551, OMIM 131800.

Submissions (11):

PreventionGenetics, part of Exact Sciences
Classification: Pathogenic for KRT5-related condition. Last evaluated: 2026-03-02. Review status: criteria provided, single submitter. Criteria: ACMG Guidelines, 2015. Collection method: clinical testing. Allele origin: germline.
Comment: The KRT5 c.1429G>A variant is predicted to result in the amino acid substitution p.Glu477Lys. This variant has been reported in individuals with autosomal dominant epidermolysis bullosa, and in some cases was determined to have arisen de novo (see, for example: Stephens et al. 1997. PubMed ID: 9036937; Pfendner et al. 2005. PubMed ID: 16098032; Sathishkumar et al. 2016. PubMed ID: 26743602; Vahidnezhad et al. 2017. PubMed ID: 28830826). This variant has not been reported in a large population database, indicating it is rare. This variant is interpreted as pathogenic.

Labcorp Genetics (formerly Invitae), Labcorp
Classification: Pathogenic. Last evaluated: 2026-01-08. Review status: criteria provided, single submitter. Criteria: Invitae Variant Classification Sherloc (09022015). Collection method: clinical testing. Allele origin: germline.
Comment: This sequence change replaces glutamic acid, which is acidic and polar, with lysine, which is basic and polar, at codon 477 of the KRT5 protein (p.Glu477Lys). This variant is not present in population databases (gnomAD no frequency). This missense change has been observed in individual(s) with autosomal dominant epidermolysis bullosa simplex and/or epidermolysis bullosa simplex (PMID: 9036937, 16098032, 26743602, 31579952). In at least one individual the variant was observed to be de novo. ClinVar contains an entry for this variant (Variation ID: 21174). Invitae Evidence Modeling of protein sequence and biophysical properties (such as structural, functional, and spatial information, amino acid conservation, physicochemical variation, residue mobility, and thermodynamic stability) has been performed for this missense variant. However, the output from this modeling did not meet the statistical confidence thresholds required to predict the impact of this variant on KRT5 protein function. For these reasons, this variant has been classified as Pathogenic.

3billion
Classification: Pathogenic for Epidermolysis bullosa simplex 2B, generalized intermediate. Last evaluated: 2024-11-16. Review status: criteria provided, single submitter. Criteria: ACMG Guidelines, 2015. Collection method: clinical testing. Allele origin: germline. Affected: yes.
Comment: The variant is not observed in the gnomAD v4.1.0 dataset. Predicted Consequence/Location: Missense variant In silico tool predictions suggest damaging effect of the variant on gene or gene product [REVEL: 0.90 (>=0.6, sensitivity 0.68 and specificity 0.92); 3Cnet: 0.99 (>=0.6, sensitivity 0.72 and precision 0.9)]. The same nucleotide change resulting in the same amino acid change has been previously reported as pathogenic/likely pathogenic with strong evidence (ClinVar ID: VCV000021174 /PMID: 9036937 /3billion dataset). The variant has been previously reported as de novo in a similarly affected individual (PMID: 16098032). The variant has been observed in multiple (>3) similarly affected unrelated individuals (PMID: 16098032, 26743602, 31579952, 9036937). A different missense change at the same codon (p.Glu477Gly) has been reported to be associated with KRT5 related disorder (PMID: 26432462). Therefore, this variant is classified as Pathogenic according to the recommendation of ACMG/AMP guideline.

Blueprint Genetics
Classification: Pathogenic for KRT5-related disorders. Last evaluated: 2024-01-08. Review status: criteria provided, single submitter. Criteria: ACMG Guidelines, 2015. Collection method: clinical testing. Allele origin: germline. Affected: yes. Observed: 1 variant allele.

GeneDx
Classification: Pathogenic. Last evaluated: 2023-11-07. Review status: criteria provided, single submitter. Criteria: GeneDx Variant Classification Process June 2021. Collection method: clinical testing. Allele origin: germline. Affected: yes.
Comment: Located in the helix termination motif, which is highly conserved across all species and among all members of the keratin family; keratin gene variants affecting the residues at the ends of the central rod domains of the keratin proteins (helix initiation and termination motifs) interfere with proper keratin intermediate filament assembly and function, resulting in skin fragility, blistering, and/or hyperkeratosis (PMID: 21176769); Not observed at significant frequency in large population cohorts (gnomAD); In silico analysis supports that this missense variant has a deleterious effect on protein structure/function; This variant is associated with the following publications: (PMID: 16601668, 16098032, 28830826, 20030639, 9036937, 28561874, 26743602, 29464779, 31579952, 30515866, 35432467, 36287101, 21176769)

Mendelics
Classification: Pathogenic for Epidermolysis bullosa simplex 1C, localized. Last evaluated: 2019-05-28. Review status: criteria provided, single submitter. Criteria: Mendelics Assertion Criteria 2017. Collection method: clinical testing. Allele origin: unknown.

Biomedical Innovation Departament, CIEMAT
Classification: Pathogenic for Simplex epidermolysis bullosa. Last evaluated: 2019-02-01. Review status: criteria provided, single submitter. Criteria: ACMG Guidelines, 2015. Collection method: research. Allele origin: germline. Affected: yes. Observed: 1 variant allele.

Illumina Laboratory Services, Illumina
Classification: Pathogenic for Epidermolysis bullosa simplex with mottled pigmentation. Last evaluated: 2019-01-03. Review status: criteria provided, single submitter. Criteria: ICSLVariantClassificationCriteria RUGD 01 April 2020. Collection method: clinical testing. Allele origin: unknown.
Comment: Across a selection of literature, the KRT5 c.1429G>A (p.Glu477Lys) missense variant has been reported in a heterozygous state in at least 12 individuals with epidermolysis bullosa simplex (Yasukawa et al. 2006; JerÃ¡bkovÃ¡ et al. 2010; Sathishkumar et al. 2016; Kim et al. 2017). All patients with this variant were reported to have a severe presentation. The affected parent of one patient was also identified to carry the variant (Sathishkumar et al. 2016). The p.Glu477Lys variant was absent from at least 52 healthy control alleles and is not found in the Genome Aggregation Database. This variant is located in the highly conserved KLLEGE motif. Based on the collective evidence, the p.Glu477Lys variant is classified as pathogenic for epidermolysis bullosa simplex.

OMIM
Classification: Pathogenic for EPIDERMOLYSIS BULLOSA SIMPLEX 2A, GENERALIZED SEVERE. Last evaluated: 2022-05-17. Review status: no assertion criteria provided. Collection method: literature only. Allele origin: germline. Not counted in ClinVar's aggregate classification.

Epithelial Biology;  Institute of Medical Biology, Singapore
No classification provided. Review status: no classification provided. Collection method: not provided. Allele origin: not provided. Not counted in ClinVar's aggregate classification.

GeneReviews
No classification provided. Condition: Epidermolysis bullosa simplex 1A, generalized severe. Review status: no classification provided. Collection method: literature only. Allele origin: unknown. Not counted in ClinVar's aggregate classification.

Literature cited by the submitters: PubMed 9036937 (cited by 3 submitters); PubMed 16098032 (cited by 3 submitters); PubMed 26743602 (cited by 4 submitters); PubMed 31579952 (cited by Labcorp Genetics (formerly Invitae), Labcorp and 3billion); PubMed 26432462 (cited by 3billion); PubMed 16882168 (cited by Illumina Laboratory Services, Illumina); PubMed 20030639 (cited by Illumina Laboratory Services, Illumina); PubMed 28561874 (cited by Illumina Laboratory Services, Illumina); PubMed 30515866 (cited by OMIM); PubMed 16601668 (cited by GeneReviews); PubMed 20301543 (cited by GeneReviews); NCBI Bookshelf NBK1369 (cited by GeneReviews).

NM_000424.4(KRT5):c.1429G>A (p.Glu477Lys)

Genes: KRT5 (keratin 5; minus strand), LOC126861525 (BRD4-independent group 4 enhancer GRCh37_chr12:52909857-52911056; plus strand). Cytogenetic location: 12q13.13.
Variant type: single nucleotide variant.
Coding change: c.1429G>A on transcript NM_000424.4 (MANE Select); coding-DNA position 1429, G replaced by A.
Protein change: p.Glu477Lys; replaces glutamic acid 477 with lysine.
Molecular consequence: missense variant.
Genome position (GRCh38, 1-based): chr12:52,516,647, C>T on the plus strand (G>A on the coding strand, the complement: KRT5 is on the minus strand). VCF-style: chr12-52516647-C-T. GRCh37 (hg19) VCF-style: chr12-52910431-C-T.
Other names: short protein forms E477K.
Identifiers: ClinVar variation 21174 (VCV000021174.21), dbSNP rs59190510, ClinGen allele CA216675.